The following is an entry in ClinVar:

NM_020774.4(MIB1):c.1471G>T (p.Glu491Ter)

Gene: MIB1 (MIB E3 ubiquitin protein ligase 1; plus strand). Cytogenetic location: 18q11.2.
Variant type: single nucleotide variant.
Coding change: c.1471G>T on transcript NM_020774.4 (MANE Select); coding-DNA position 1471, G replaced by T.
Protein change: p.Glu491Ter; replaces glutamic acid 491 with a stop codon.
Molecular consequence: nonsense.
Genome position (GRCh38, 1-based): chr18:21,804,006, G>T. VCF-style: chr18-21804006-G-T. GRCh37 (hg19) VCF-style: chr18-19383967-G-T.
Other names: short protein forms E491*.
Identifiers: ClinVar variation 4056619 (VCV004056619.1).
Genomic context (GRCh38, chr18:21,804,006, plus strand): 5'-GCTAGTCAGAATGGACATGTTGACATTTTGAAGTTACTTTTGAAGCAAAACGTGGATGTC[G>T]AAGCAGAGGTAAGTAAACTTGAAAAATATTTTAAGTAAACATTTATTTCCTAGAAATAAT-3'

ClinVar aggregate classification (germline): Likely pathogenic (1 of 4 stars; one submission).

Conditions:
Left ventricular noncompaction 7 (LVNC7). Identifiers: Orphanet 54260, MedGen C3554496, MONDO:0014042, OMIM 615092.

gnomAD v4.1: 1 of 1,609,804 alleles (0.000062%); highest among the groups gnomAD compares: Non-Finnish European, 0.000085%; no homozygotes.

Submission:

Laboratorio de Genetica e Diagnostico Molecular, Hospital Israelita Albert Einstein
Classification: Likely pathogenic for Left ventricular noncompaction 7. Last evaluated: 2023-11-28. Review status: criteria provided, single submitter. Criteria: ACMG Guidelines, 2015. Collection method: clinical testing. Allele origin: germline. Affected: yes.
Comment: ACMG classification criteria: PVS1 very strong, PM2 supporting